The following is an entry in ClinVar:

ClinVar aggregate classification (germline): Uncertain significance. Review status: criteria provided, multiple submitters, no conflicts (2 of 4 stars). 3 submissions from 3 submitters: Uncertain significance (3). Last evaluated 2024-02-23.

Allele frequency attached by ClinVar (database versions not stated): TOPMed 0.00002; ExAC 0.00003; gnomAD 0.00003; gnomAD exomes 0.00003 and 0.00004.
gnomAD v4.1: 57 of 1,613,986 alleles (0.0035%); highest among the groups gnomAD compares: Non-Finnish European, 0.0044%; no homozygotes.

Submissions (3):

Labcorp Genetics (formerly Invitae), Labcorp
Classification: Uncertain significance. Last evaluated: 2024-02-23. Review status: criteria provided, single submitter. Criteria: Invitae Variant Classification Sherloc (09022015). Collection method: clinical testing. Allele origin: germline.
Comment: This sequence change replaces aspartic acid, which is acidic and polar, with asparagine, which is neutral and polar, at codon 193 of the CNGA3 protein (p.Asp193Asn). This variant is present in population databases (rs375673700, gnomAD 0.008%). This variant has not been reported in the literature in individuals affected with CNGA3-related conditions. ClinVar contains an entry for this variant (Variation ID: 594033). Advanced modeling of protein sequence and biophysical properties (such as structural, functional, and spatial information, amino acid conservation, physicochemical variation, residue mobility, and thermodynamic stability) has been performed at Invitae for this missense variant, however the output from this modeling did not meet the statistical confidence thresholds required to predict the impact of this variant on CNGA3 protein function. In summary, the available evidence is currently insufficient to determine the role of this variant in disease. Therefore, it has been classified as a Variant of Uncertain Significance.

Blueprint Genetics
Classification: Uncertain significance. Last evaluated: 2021-08-19. Review status: criteria provided, single submitter. Criteria: ACMG Guidelines, 2015. Collection method: clinical testing. Allele origin: germline.

Eurofins Ntd Llc (ga)
Classification: Uncertain significance. Last evaluated: 2017-09-28. Review status: criteria provided, single submitter. Criteria: EGL Classification Definitions 2015. Collection method: clinical testing. Allele origin: germline. Observed: 1 variant allele, 1 heterozygote.

NM_001298.3(CNGA3):c.577G>A (p.Asp193Asn)

Gene: CNGA3 (cyclic nucleotide gated channel subunit alpha 3; plus strand). Cytogenetic location: 2q11.2.
Variant type: single nucleotide variant.
Coding change: c.577G>A on transcript NM_001298.3 (MANE Select); coding-DNA position 577, G replaced by A.
Protein change: p.Asp193Asn; replaces aspartic acid 193 with asparagine.
Molecular consequence: missense variant.
Genome position (GRCh38, 1-based): chr2:98,391,874, G>A. VCF-style: chr2-98391874-G-A. GRCh37 (hg19) VCF-style: chr2-99008337-G-A.
Other names: c.523G>A, p.Asp175Asn (NM_001079878.2); short protein forms D193N, D175N.
Identifiers: ClinVar variation 594033 (VCV000594033.13), dbSNP rs375673700, ClinGen allele CA1793818.